The following is an entry in ClinVar:

ClinVar aggregate classification (germline): Conflicting classifications of pathogenicity. Review status: criteria provided, conflicting classifications (1 of 4 stars). 6 submissions from 6 submitters: Pathogenic (1); Likely pathogenic (3); Uncertain significance (1). 1 of the submissions does not count toward it. Last evaluated 2025-10-20.

Conditions:
Farber lipogranulomatosis (FRBRL). Also called: Farber's disease; Farber disease; Farber's lipogranulomatosis; AC DEFICIENCY; ACID CERAMIDASE DEFICIENCY; CERAMIDASE DEFICIENCY. Identifiers: Orphanet 333, MedGen C0268255, MONDO:0009218, OMIM 228000.
Spinal muscular atrophy-progressive myoclonic epilepsy syndrome. Also called: Hereditary myoclonus and progressive distal muscular atrophy; MYOCLONUS, HEREDITARY, WITH PROGRESSIVE DISTAL MUSCULAR ATROPHY; Spinal muscular atrophy with progressive myoclonic epilepsy; Spinal Muscular Atrophy with Progressive Myoclonic Epilepsy (SMA-PME). Identifiers: Orphanet 2590, MedGen C1834569, MONDO:0008045, OMIM 159950.
ASAH1-related disorders. Also called: ASAH1-related condition; ASAH1-related disorder. Identifiers: MedGen CN376120, MONDO:0800460.

Allele frequency attached by ClinVar (database versions not stated): ExAC 0.00001; gnomAD 0.00001; gnomAD exomes 0.00002; TOPMed 0.00002; ESP Exome Variant Server 0.00008.
gnomAD v4.1: 24 of 1,566,904 alleles (0.0015%); highest among the groups gnomAD compares: Non-Finnish European, 0.0021%; no homozygotes.

Submissions (6):

Labcorp Genetics (formerly Invitae), Labcorp
Classification: Likely pathogenic. Last evaluated: 2025-10-20. Review status: criteria provided, single submitter. Criteria: Invitae Variant Classification Sherloc (09022015). Collection method: clinical testing. Allele origin: germline.
Comment: This sequence change replaces tyrosine, which is neutral and polar, with cysteine, which is neutral and slightly polar, at codon 137 of the ASAH1 protein (p.Tyr137Cys). This variant is present in population databases (rs371666412, gnomAD 0.005%). This missense change has been observed in individual(s) with Farber disease or spinal muscular atrophy (PMID: 28251733, 32449975). ClinVar contains an entry for this variant (Variation ID: 375548). Invitae Evidence Modeling of protein sequence and biophysical properties (such as structural, functional, and spatial information, amino acid conservation, physicochemical variation, residue mobility, and thermodynamic stability) indicates that this missense variant is expected to disrupt ASAH1 protein function with a positive predictive value of 80%. This variant disrupts the p.Tyr137 amino acid residue in ASAH1. Other variant(s) that disrupt this residue have been observed in individuals with ASAH1-related conditions (PMID: 32449975), which suggests that this may be a clinically significant amino acid residue. In summary, the currently available evidence indicates that the variant is pathogenic, but additional data are needed to prove that conclusively. Therefore, this variant has been classified as Likely Pathogenic.

Blueprint Genetics
Classification: Uncertain significance. Last evaluated: 2024-11-06. Review status: criteria provided, single submitter. Criteria: ACMG Guidelines, 2015. Collection method: clinical testing. Allele origin: germline.

PreventionGenetics, part of Exact Sciences
Classification: Likely pathogenic for ASAH1-related condition. Last evaluated: 2022-08-29. Review status: criteria provided, single submitter. Criteria: ACMG Guidelines, 2015. Collection method: clinical testing. Allele origin: germline.
Comment: The ASAH1 c.458A>G variant is predicted to result in the amino acid substitution p.Tyr153Cys. This variant (also known as c.410A>G; p.Tyr137Cys) has been reported in the homozygous state in at least four individuals with Farber disease (Table1, Cozma et al. 2017. Pubmed ID: 28733637; Internal Data, PreventionGenetics). It has also been reported in the compound heterozygous state in at least two individuals, one of whom had spinal muscular atrophy with progressive myoclonic epilepsy and the other for whom there was clinical suspicion of Farber disease (Kernohan et al. 2017. Pubmed ID: 28251733; Internal Data, PreventionGenetics). Internal data suggests this variant is enriched in individuals of French-Canadian ancestry (Internal Data, PreventionGenetics). Biochemical studies using patient-derived fibroblasts indicate this variant results in loss of ASAH1 function (Figure 2, Kernohan et al. 2017. Pubmed ID: 28251733). This variant is reported in 0.0050% of alleles in individuals of European (Non-Finnish) descent in gnomAD. This variant is interpreted as likely pathogenic.

Fulgent Genetics
Classification: Likely pathogenic for Spinal muscular atrophy-progressive myoclonic epilepsy syndrome; Farber lipogranulomatosis. Last evaluated: 2022-02-28. Review status: criteria provided, single submitter. Criteria: ACMG Guidelines, 2015. Collection method: clinical testing. Allele origin: unknown.

Medical Affairs, Dicerna Pharmaceuticals
Classification: Pathogenic for Spinal muscular atrophy-progressive myoclonic epilepsy syndrome. Last evaluated: 2019-06-19. Review status: criteria provided, single submitter. Criteria: ACMG Guidelines, 2015. Collection method: literature only. Allele origin: unknown. Inheritance: Autosomal recessive inheritance. Affected: yes. Observed: 2 variant alleles.
Comment: Based on new evidence the previous Clinvar classification of VUS can be revised to clinically pathogenic for variant c.410A>G. There have been 2 patients diagnosed with SMA-PME from 2 unrelated families who have carried the variant c.410A>G. The patient decribed in Kernohan et al., 2017, doi:10.1002/humu.23211, had compound heterozygous variants in the ASAH1 gene. The variant in ASAH1 (c.410A>G; p.Tyr153Cys) was reported and classified as a variant of unknown significance, but was highly suspicious based on its rarity in control cohorts (seen in one of 70,372 alleles in ExAC Browser), and it is predicted to be deleterious to protein function (PolyPhen-2 [1.0], SIFT [0.0]). Additional functional testing in this patient was conducted by quantifying cellular ceramide content using high-performance liquid chromatography electrospray ionization tandem mass spectrometry in extracts from patient and control fibroblast cells. Eighteen distinct ceramide species with a d18:1 sphingosine backbone were detected; a significant increase was observed in 17 of the 18 ceramides, confirming the loss of acid ceramidase function, and thus the pathogenicity of the ASAH1 variants. Additionally, a second patient diagnosed with SMA-PME from an unrelated family has been described in Cozma et al., 2018, DOI:10.1038/s41598-017-06604-2 further substantiating this variant as clinically pathogenic.

Given the similarity in presentation to SMA-PME, ASAH1 testing was conducted to a single p.Y137C (c.459 A>G) variant. A second variant, c.456A>C; p.K152N, upon completing transcriptome analysis.

Care4Rare-SOLVE, CHEO
Classification: Uncertain significance for Spinal muscular atrophy-progressive myoclonic epilepsy syndrome. Last evaluated: 2017-01-01. Review status: no assertion criteria provided. Collection method: clinical testing. Allele origin: maternal. Affected: yes. Study: Care4Rare. Not counted in ClinVar's aggregate classification.
Comment: This variant was found in a compound heterozygous state with NM_004315.4:c.504A>C.

Literature cited by the submitters: PubMed 28251733 (cited by Labcorp Genetics (formerly Invitae), Labcorp); PubMed 32449975 (cited by Labcorp Genetics (formerly Invitae), Labcorp); DOI 10.1002/humu.23211 (cited by Medical Affairs, Dicerna Pharmaceuticals).

NM_177924.5(ASAH1):c.410A>G (p.Tyr137Cys)

Gene: ASAH1 (N-acylsphingosine amidohydrolase 1; minus strand). Cytogenetic location: 8p22.
Variant type: single nucleotide variant.
Coding change: c.410A>G on transcript NM_177924.5 (MANE Select); coding-DNA position 410, A replaced by G.
Protein change: p.Tyr137Cys; replaces tyrosine 137 with cysteine.
Molecular consequence: missense variant.
Genome position (GRCh38, 1-based): chr8:18,064,504, T>C on the plus strand (A>G on the coding strand, the complement: ASAH1 is on the minus strand). VCF-style: chr8-18064504-T-C. GRCh37 (hg19) VCF-style: chr8-17922013-T-C.
Other names: c.392A>G, p.Tyr131Cys (NM_001127505.3); c.215A>G, p.Tyr72Cys (NM_001363743.2); c.458A>G, p.Tyr153Cys (NM_004315.6); c.458A>G (NM_004315.5); short protein forms Y153C, Y131C, Y137C, Y72C.
Identifiers: ClinVar variation 375548 (VCV000375548.13), dbSNP rs371666412, ClinGen allele CA4650862.